The following is an entry in ClinVar:

ClinVar aggregate classification (germline): Uncertain significance (1 of 4 stars; one submission).

Conditions:
Marfan syndrome (MFS). Also called: MARFAN SYNDROME, TYPE I; Marfan syndrome type 1; Marfan's syndrome; Marfan syndrome, classic; FBN1-Related Marfan Syndrome. Identifiers: Orphanet 284963, Orphanet 558, MedGen C0024796, MONDO:0007947, OMIM 154700.

Submission:

All of Us Research Program, National Institutes of Health
Classification: Uncertain significance for Marfan syndrome. Last evaluated: 2023-06-28. Review status: criteria provided, single submitter. Criteria: ACMG Guidelines, 2015. Collection method: clinical testing. Allele origin: germline. Inheritance: Autosomal dominant inheritance. Observed: 1 variant allele, 1 heterozygote.
Comment: This study involves interpretation of variants in research participants for the purpose of population health screening. Participant phenotype was not available at the time of variant classification. Additional details can be found in publication PMID: 35346344, PMCID: PMC8962531

NM_000138.5(FBN1):c.4196G>A (p.Gly1399Asp)

Gene: FBN1 (fibrillin 1; minus strand). Cytogenetic location: 15q21.1.
Variant type: single nucleotide variant.
Coding change: c.4196G>A on transcript NM_000138.5 (MANE Select); coding-DNA position 4196, G replaced by A.
Protein change: p.Gly1399Asp; replaces glycine 1399 with aspartic acid.
Molecular consequence: missense variant.
Genome position (GRCh38, 1-based): chr15:48,474,269, C>T on the plus strand (G>A on the coding strand, the complement: FBN1 is on the minus strand). VCF-style: chr15-48474269-C-T. GRCh37 (hg19) VCF-style: chr15-48766466-C-T.
Other names: c.4196G>A, p.Gly1399Asp (NM_001406716.1); short protein forms G1399D.
Identifiers: ClinVar variation 3071749 (VCV003071749.1), dbSNP rs1389668311, ClinGen allele CA392319962.